The following is an entry in ClinVar:

NM_000540.3(RYR1):c.2226G>A (p.Val742=)

Gene: RYR1 (ryanodine receptor 1; plus strand). Cytogenetic location: 19q13.2.
Variant type: single nucleotide variant.
Coding change: c.2226G>A on transcript NM_000540.3 (MANE Select); coding-DNA position 2226, G replaced by A.
Protein change: p.Val742=; no amino-acid change (valine 742 retained).
Molecular consequence: synonymous variant.
Genome position (GRCh38, 1-based): chr19:38,459,204, G>A. VCF-style: chr19-38459204-G-A. GRCh37 (hg19) VCF-style: chr19-38949844-G-A.
Other names: c.2226G>A, p.Val742= (NM_001042723.2).
Identifiers: ClinVar variation 2720853 (VCV002720853.4), dbSNP rs1471640826, ClinGen allele CA507230713.

ClinVar aggregate classification (germline): Likely benign. Review status: criteria provided, multiple submitters, no conflicts (2 of 4 stars). 2 submissions from 2 submitters: Likely benign (2). Last evaluated 2023-12-18.

Conditions:
Malignant hyperthermia, susceptibility to, 1 (MHS1). Also called: Anesthesia related hyperthermia; Malignant hyperpyrexia; Fulminating hyperpyrexia; Pharmacogenic myopathy; Malignant hyperthermia suceptibility 1; RYR1-Related Malignant Hyperthermia Susceptibility. Identifiers: Orphanet 423, MedGen C2930980, MONDO:0007783, OMIM 145600.
RYR1-related disorder. Also called: RYR1-related condition; RYR1-related disorders. Identifiers: MedGen CN239331.

Allele frequency attached by ClinVar (database versions not stated): gnomAD exomes below 0.00001; TOPMed 0.00001.
gnomAD v4.1: 2 of 1,614,124 alleles (0.00012%); highest among the groups gnomAD compares: Admixed American, 0.0017%; no homozygotes.

Submissions (2):

All of Us Research Program, National Institutes of Health
Classification: Likely benign for Malignant hyperthermia, susceptibility to, 1. Last evaluated: 2023-12-18. Review status: criteria provided, single submitter. Criteria: ACMG Guidelines, 2015. Collection method: clinical testing. Allele origin: germline. Inheritance: Autosomal dominant inheritance. Observed: 1 variant allele, 1 heterozygote.
Comment: This study involves interpretation of variants in research participants for the purpose of population health screening. Participant phenotype was not available at the time of variant classification. Additional details can be found in publication PMID: 35346344, PMCID: PMC8962531

Labcorp Genetics (formerly Invitae), Labcorp
Classification: Likely benign for RYR1-related disorder. Last evaluated: 2023-09-18. Review status: criteria provided, single submitter. Criteria: Invitae Variant Classification Sherloc (09022015). Collection method: clinical testing. Allele origin: germline.